The following is an entry in ClinVar:

ClinVar aggregate classification (germline): Uncertain significance (1 of 4 stars; one submission).

Conditions:
Inborn genetic diseases. Identifiers: MedGen C0950123, MeSH D030342.

Allele frequency attached by ClinVar (database versions not stated): gnomAD exomes below 0.00001.
gnomAD v4.1: 1 of 1,612,372 alleles (0.000062%); highest among the groups gnomAD compares: Non-Finnish European, 0.000085%; no homozygotes.

Submission:

Ambry Genetics
Classification: Uncertain significance for Inborn genetic diseases. Last evaluated: 2022-11-23. Review status: criteria provided, single submitter. Criteria: Ambry Variant Classification Scheme 2023. Collection method: clinical testing. Allele origin: germline.
Comment: The p.H701Y variant (also known as c.2101C>T), located in coding exon 13 of the PIK3CA gene, results from a C to T substitution at nucleotide position 2101. The histidine at codon 701 is replaced by tyrosine, an amino acid with similar properties. This amino acid position is conserved. In addition, the in silico prediction for this alteration is inconclusive. Since supporting evidence is limited at this time, the clinical significance of this alteration remains unclear.

NM_006218.4(PIK3CA):c.2101C>T (p.His701Tyr)

Gene: PIK3CA (phosphatidylinositol-4,5-bisphosphate 3-kinase catalytic subunit alpha; plus strand). Cytogenetic location: 3q26.32.
Variant type: single nucleotide variant.
Coding change: c.2101C>T on transcript NM_006218.4 (MANE Select); coding-DNA position 2101, C replaced by T.
Protein change: p.His701Tyr; replaces histidine 701 with tyrosine.
Molecular consequence: missense variant.
Genome position (GRCh38, 1-based): chr3:179,221,071, C>T. VCF-style: chr3-179221071-C-T. GRCh37 (hg19) VCF-style: chr3-178938859-C-T.
Other names: short protein forms H701Y.
Identifiers: ClinVar variation 2453441 (VCV002453441.2), dbSNP rs2108413541, ClinGen allele CA355268933.
Genomic context (GRCh38, chr3:179,221,071, plus strand): 5'-AGCCAGAGGTTTGGCCTGCTTTTGGAGTCCTATTGTCGTGCATGTGGGATGTATTTGAAG[C>T]ACCTGAATAGGCAAGTCGAGGCAATGGAAAAGCTCATTAACTTAACTGACATTCTCAAAC-3'
Protein context (NP_006209.2, residues 691-711): YCRACGMYLK[His701Tyr]LNRQVEAMEK